The following is an entry in ClinVar:

ClinVar aggregate classification (germline): Uncertain significance (1 of 4 stars; one submission).

Conditions:
Familial focal epilepsy with variable foci (FPEVF). Identifiers: Orphanet 98820, MedGen C1858477, MONDO:0020310.

Allele frequency attached by ClinVar (database versions not stated): gnomAD exomes below 0.00001; ExAC 0.00001.

Submission:

Labcorp Genetics (formerly Invitae), Labcorp
Classification: Uncertain significance for Familial focal epilepsy with variable foci. Last evaluated: 2024-10-22. Review status: criteria provided, single submitter. Criteria: Invitae Variant Classification Sherloc (09022015). Collection method: clinical testing. Allele origin: germline.
Comment: This sequence change replaces tyrosine, which is neutral and polar, with histidine, which is basic and polar, at codon 86 of the DEPDC5 protein (p.Tyr86His). This variant is present in population databases (rs752067925, gnomAD 0.0009%). This variant has not been reported in the literature in individuals affected with DEPDC5-related conditions. ClinVar contains an entry for this variant (Variation ID: 1352239). Experimental studies and prediction algorithms are not available or were not evaluated, and the functional significance of this variant is currently unknown. In summary, the available evidence is currently insufficient to determine the role of this variant in disease. Therefore, it has been classified as a Variant of Uncertain Significance.

NM_001242896.3(DEPDC5):c.256T>C (p.Tyr86His)

Gene: DEPDC5 (DEP domain containing 5, GATOR1 subcomplex subunit; plus strand). Cytogenetic location: 22q12.2.
Variant type: single nucleotide variant.
Coding change: c.256T>C on transcript NM_001242896.3 (MANE Select); coding-DNA position 256, T replaced by C.
Protein change: p.Tyr86His; replaces tyrosine 86 with histidine.
Molecular consequence: missense variant. On other transcripts: non-coding transcript variant (5).
Genome position (GRCh38, 1-based): chr22:31,765,037, T>C. VCF-style: chr22-31765037-T-C. GRCh37 (hg19) VCF-style: chr22-32161023-T-C.
Other names: c.256T>C, p.Tyr86His (NM_001007188.4, NM_001136029.4, NM_001242897.2 and 9 more transcripts); short protein forms Y86H.
Identifiers: ClinVar variation 1352239 (VCV001352239.8), dbSNP rs752067925, ClinGen allele CA10195884.
Genomic context (GRCh38, chr22:31,765,037, plus strand): 5'-ACTATCAGTGTGGACCAGACTGTGACTCAAGTGTTCCGGCTGAGACCTTATCAGGATGTC[T>C]ATGTTAATGTCGTAGACCCTAAGGTATGTCTTTGTTTTGTACTTGAATATCTTTTTGGAA-3'
Protein context (NP_001229825.1, residues 76-96): VFRLRPYQDV[Tyr86His]VNVVDPKDVT